The following is an entry in ClinVar:

GRCh37/hg19 18q22.1-23(chr18:66530142-78014123)x1

Genes: NFATC1 (nuclear factor of activated T cells 1; plus strand), PARD6G (par-6 family cell polarity regulator gamma; minus strand), PTGR3 (prostaglandin reductase 3; minus strand), RBFA (ribosome binding factor A; plus strand), TSHZ1 (teashirt zinc finger homeobox 1; plus strand) and 30 more. Cytogenetic location: 18q22.1-23.
Variant type: copy number loss.
Change: copy number 1 (one copy instead of two) of chr18:66,530,142-78,014,123 (11.48 Mb, GRCh37 coordinates, 1-based), cytogenetic band 18q22.1-23.
Identifiers: ClinVar variation 1807794 (VCV001807794.2).

ClinVar aggregate classification (germline): Pathogenic (1 of 4 stars; one submission).

Submission:

Quest Diagnostics Nichols Institute San Juan Capistrano
Classification: Pathogenic. Last evaluated: 2024-08-16. Review status: criteria provided, single submitter. Criteria: ACMG/ClinGen CNV Guidelines, 2019. Collection method: clinical testing. Allele origin: unknown.
Comment: The 18q22.1q23 terminal deletion involves at least 34 protein-coding genes and falls within the larger region associated with chromosome 18q deletion syndrome (OMIM 601808) (Cody 2015, Dostal 2009, Eudy 2010, Feenstra 2011, Ismail 2023, Li 2021, Margarit 2012, Rosenberg 2006, Tassano 2016). Therefore, this copy number variant (CNV) is classified as pathogenic. References: Cody et al., Am J Med Genet C Semin Med Genet. 2015 Sep;169(3):265-80. PMID: 26235940 Dostal et al., J Craniomaxillofac Surg. 2009 Jul;37(5):272-5. PMID: 19157891 Eudy et al., Am J Med Genet A. 2010 Apr;152A(4):1046-8. PMID: 20358626 Feenstra et al., Am J Hum Genet. 2011 Dec 9;89(6):813-9. PMID: 22152683 Ismail et al., J Med Case Rep. 2023 Jun 10;17(1):250. PMID: 37296475 Li et al., Front Genet. 2021 Sep 20;12:707411. PMID: 34616427 Margarit et al., Am J Med Genet A. 2012 Mar;158A(3):611-6. PMID: 22302430 Rosenberg et al., J Med Genet. 2006 Feb;43(2):180-6. PMID: 15980116 Tassano et al., Mol Cytogenet. 2016 Oct 10;9:78. PMID: 27766118